The following is an entry in ClinVar:

ClinVar aggregate classification (germline): Conflicting classifications of pathogenicity. Review status: criteria provided, conflicting classifications (1 of 4 stars). 5 submissions from 5 submitters: Uncertain significance (1); Likely benign (4). Last evaluated 2026-06-01.

Conditions:
Cardiovascular phenotype. Identifiers: MedGen CN230736.
Dilated cardiomyopathy 1G (CMD1G). Identifiers: Orphanet 154, MedGen C1858763, MONDO:0011400, OMIM 604145.
Autosomal recessive limb-girdle muscular dystrophy type 2J (LGMDR10). Also called: MUSCULAR DYSTROPHY, LIMB-GIRDLE, AUTOSOMAL RECESSIVE 10; Limb-girdle muscular dystrophy, type 2J. Identifiers: Orphanet 140922, MedGen C1837342, MONDO:0012127, OMIM 608807.

Allele frequency attached by ClinVar (database versions not stated): gnomAD 0.00001 and 0.00003; ExAC 0.00002; TOPMed 0.00003; gnomAD exomes 0.00006.
gnomAD v4.1: 128 of 1,612,582 alleles (0.0079%); highest among the groups gnomAD compares: African/African-American, 0.019%; no homozygotes.

Submissions (5):

CeGaT Center for Human Genetics Tuebingen
Classification: Likely benign. Last evaluated: 2026-06-01. Review status: criteria provided, single submitter. Criteria: CeGaT Center For Human Genetics Tuebingen Variant Classification Criteria Version 2. Collection method: clinical testing. Allele origin: germline. Affected: yes. Observed: 2 variant alleles.
Comment: TTN: BP4, BP7

Labcorp Genetics (formerly Invitae), Labcorp
Classification: Likely benign for Dilated cardiomyopathy 1G; Autosomal recessive limb-girdle muscular dystrophy type 2J. Last evaluated: 2026-01-19. Review status: criteria provided, single submitter. Criteria: Invitae Variant Classification Sherloc (09022015). Collection method: clinical testing. Allele origin: germline.

Ambry Genetics
Classification: Likely benign for Cardiovascular phenotype. Last evaluated: 2023-12-12. Review status: criteria provided, single submitter. Criteria: Ambry Variant Classification Scheme 2023. Collection method: clinical testing. Allele origin: germline.

GeneDx
Classification: Likely benign. Last evaluated: 2018-02-06. Review status: criteria provided, single submitter. Criteria: GeneDx Variant Classification (06012015). Collection method: clinical testing. Allele origin: germline. Affected: yes.
Comment: This variant is considered likely benign or benign based on one or more of the following criteria: it is a conservative change, it occurs at a poorly conserved position in the protein, it is predicted to be benign by multiple in silico algorithms, and/or has population frequency not consistent with disease.

Eurofins Ntd Llc (ga)
Classification: Uncertain significance. Last evaluated: 2017-10-25. Review status: criteria provided, single submitter. Criteria: EGL Classification Definitions 2015. Collection method: clinical testing. Allele origin: germline. Observed: 1 variant allele, 1 heterozygote.

NM_001267550.2(TTN):c.56256G>A (p.Pro18752=)

Genes: TTN (titin; minus strand), TTN-AS1 (TTN antisense RNA 1; plus strand). Cytogenetic location: 2q31.2.
Variant type: single nucleotide variant.
Coding change: c.56256G>A on transcript NM_001267550.2 (MANE Select); coding-DNA position 56256, G replaced by A.
Protein change: p.Pro18752=; no amino-acid change (proline 18752 retained).
Molecular consequence: synonymous variant. On other transcripts: non-coding transcript variant (1).
Genome position (GRCh38, 1-based): chr2:178,599,645, C>T on the plus strand (G>A on the coding strand, the complement: TTN is on the minus strand). VCF-style: chr2-178599645-C-T. GRCh37 (hg19) VCF-style: chr2-179464372-C-T.
Other names: c.51333G>A, p.Pro17111= (NM_001256850.1); c.29061G>A, p.Pro9687= (NM_003319.4); c.48552G>A, p.Pro16184= (NM_133378.4); c.29436G>A, p.Pro9812= (NM_133432.3); c.29637G>A, p.Pro9879= (NM_133437.4).
Identifiers: ClinVar variation 516916 (VCV000516916.34), dbSNP rs111262307, ClinGen allele CA1993287.
Genomic context (GRCh38, chr2:178,599,645, plus strand): 5'-TGTTCCCAGATTATTTACAGCTGTGATGGTATATAAGCCAGTGTCACTCCTGCGAGACTG[C>T]GGAATAACTAAAGTGCAAGTATCATCTACCACCAGTTTGTTGACATGGGTGTCATAGAGA-3'
Protein context (NP_001254479.2, residues 18742-18762): VVDDTCTLVI[Pro18752=]QSRRSDTGLY